The following is an entry in ClinVar:

ClinVar aggregate classification (germline): Uncertain significance (1 of 4 stars; one submission).

Submission:

Labcorp Genetics (formerly Invitae), Labcorp
Classification: Uncertain significance. Last evaluated: 2025-08-13. Review status: criteria provided, single submitter. Criteria: Invitae Variant Classification Sherloc (09022015). Collection method: clinical testing. Allele origin: germline.
Comment: This sequence change replaces methionine, which is neutral and non-polar, with threonine, which is neutral and polar, at codon 2523 of the KMT2B protein (p.Met2523Thr). This variant is not present in population databases (gnomAD no frequency). This variant has not been reported in the literature in individuals affected with KMT2B-related conditions. Invitae Evidence Modeling of protein sequence and biophysical properties (such as structural, functional, and spatial information, amino acid conservation, physicochemical variation, residue mobility, and thermodynamic stability) has been performed for this missense variant. However, the output from this modeling did not meet the statistical confidence thresholds required to predict the impact of this variant on KMT2B protein function. In summary, the available evidence is currently insufficient to determine the role of this variant in disease. Therefore, it has been classified as a Variant of Uncertain Significance.

NM_014727.3(KMT2B):c.7568T>C (p.Met2523Thr)

Gene: KMT2B (lysine methyltransferase 2B; plus strand). Cytogenetic location: 19q13.12.
Variant type: single nucleotide variant.
Coding change: c.7568T>C on transcript NM_014727.3 (MANE Select); coding-DNA position 7568, T replaced by C.
Protein change: p.Met2523Thr; replaces methionine 2523 with threonine.
Molecular consequence: missense variant.
Genome position (GRCh38, 1-based): chr19:35,737,653, T>C. VCF-style: chr19-35737653-T-C. GRCh37 (hg19) VCF-style: chr19-36228554-T-C.
Other names: short protein forms M2523T.
Identifiers: ClinVar variation 4763149 (VCV004763149.1).